The following is an entry in ClinVar:

ClinVar aggregate classification (germline): Uncertain significance (1 of 4 stars; one submission).

Conditions:
Inborn genetic diseases. Identifiers: MedGen C0950123, MeSH D030342.

Submission:

Ambry Genetics
Classification: Uncertain significance for Inborn genetic diseases. Last evaluated: 2024-11-03. Review status: criteria provided, single submitter. Criteria: Ambry Variant Classification Scheme 2023. Collection method: clinical testing. Allele origin: germline.
Comment: The p.T615A variant (also known as c.1843A>G), located in coding exon 16 of the LRRK2 gene, results from an A to G substitution at nucleotide position 1843. The threonine at codon 615 is replaced by alanine, an amino acid with similar properties. This amino acid position is conserved. In addition, this alteration is predicted to be tolerated by in silico analysis. Since supporting evidence is limited at this time, the clinical significance of this alteration remains unclear.

NM_198578.4(LRRK2):c.1843A>G (p.Thr615Ala)

Gene: LRRK2 (leucine rich repeat kinase 2; plus strand). Cytogenetic location: 12q12.
Variant type: single nucleotide variant.
Coding change: c.1843A>G on transcript NM_198578.4 (MANE Select); coding-DNA position 1843, A replaced by G.
Protein change: p.Thr615Ala; replaces threonine 615 with alanine.
Molecular consequence: missense variant.
Genome position (GRCh38, 1-based): chr12:40,274,895, A>G. VCF-style: chr12-40274895-A-G. GRCh37 (hg19) VCF-style: chr12-40668697-A-G.
Other names: short protein forms T615A.
Identifiers: ClinVar variation 1781194 (VCV001781194.3), dbSNP rs2499625040, ClinGen allele CA384403392.